The following is an entry in ClinVar:

NM_000565.4(IL6R):c.947C>T (p.Thr316Ile)

Gene: IL6R (interleukin 6 receptor; plus strand). Cytogenetic location: 1q21.3.
Variant type: single nucleotide variant.
Coding change: c.947C>T on transcript NM_000565.4 (MANE Select); coding-DNA position 947, C replaced by T.
Protein change: p.Thr316Ile; replaces threonine 316 with isoleucine.
Molecular consequence: missense variant.
Genome position (GRCh38, 1-based): chr1:154,436,108, C>T. VCF-style: chr1-154436108-C-T. GRCh37 (hg19) VCF-style: chr1-154408584-C-T.
Other names: c.947C>T, p.Thr316Ile (NM_001206866.2, NM_001382769.1, NM_001382770.1 and 3 more transcripts); c.941C>T, p.Thr314Ile (NM_001382772.1); c.587C>T, p.Thr196Ile (NM_001382774.1); short protein forms T196I, T314I, T316I.
Identifiers: ClinVar variation 2609599 (VCV002609599.4), dbSNP rs772036359, ClinGen allele CA1129172.

ClinVar aggregate classification (germline): Uncertain significance. Review status: criteria provided, multiple submitters, no conflicts (2 of 4 stars). 2 submissions from 2 submitters: Uncertain significance (2). Last evaluated 2023-08-30.

Allele frequency attached by ClinVar (database versions not stated): ExAC 0.00001; gnomAD 0.00001; gnomAD exomes 0.00001; TOPMed 0.00002.
gnomAD v4.1: 15 of 1,608,088 alleles (0.00093%); highest among the groups gnomAD compares: Non-Finnish European, 0.0013%; no homozygotes.

Submissions (2):

Labcorp Genetics (formerly Invitae), Labcorp
Classification: Uncertain significance. Last evaluated: 2023-08-30. Review status: criteria provided, single submitter. Criteria: Invitae Variant Classification Sherloc (09022015). Collection method: clinical testing. Allele origin: germline.
Comment: This sequence change replaces threonine, which is neutral and polar, with isoleucine, which is neutral and non-polar, at codon 316 of the IL6R protein (p.Thr316Ile). In summary, the available evidence is currently insufficient to determine the role of this variant in disease. Therefore, it has been classified as a Variant of Uncertain Significance. Algorithms developed to predict the effect of sequence changes on RNA splicing suggest that this variant may create or strengthen a splice site. Algorithms developed to predict the effect of missense changes on protein structure and function output the following: SIFT: "Not Available"; PolyPhen-2: "Benign"; Align-GVGD: "Not Available". The isoleucine amino acid residue is found in multiple mammalian species, which suggests that this missense change does not adversely affect protein function. This variant has not been reported in the literature in individuals affected with IL6R-related conditions. The frequency data for this variant in the population databases is considered unreliable, as metrics indicate poor data quality at this position in the gnomAD database.

Ambry Genetics
Classification: Uncertain significance. Last evaluated: 2023-07-05. Review status: criteria provided, single submitter. Criteria: Ambry Variant Classification Scheme 2023. Collection method: clinical testing. Allele origin: germline.